The following is an entry in ClinVar:

NM_013254.4(TBK1):c.79A>G (p.Arg27Gly)

Gene: TBK1 (TANK binding kinase 1; plus strand). Cytogenetic location: 12q14.2.
Variant type: single nucleotide variant.
Coding change: c.79A>G on transcript NM_013254.4 (MANE Select); coding-DNA position 79, A replaced by G.
Protein change: p.Arg27Gly; replaces arginine 27 with glycine.
Molecular consequence: missense variant.
Genome position (GRCh38, 1-based): chr12:64,455,949, A>G. VCF-style: chr12-64455949-A-G. GRCh37 (hg19) VCF-style: chr12-64849729-A-G.
Other names: short protein forms R27G.
Identifiers: ClinVar variation 2005223 (VCV002005223.4), dbSNP rs2539476741, ClinGen allele CA385593148.
Genomic context (GRCh38, chr12:64,455,949, plus strand): 5'-CATCTGTGGCTTTTATCTGATATTTTAGGCCAAGGAGCTACTGCAAATGTCTTTCGTGGA[A>G]GACATAAGGTTAGTACAGAGAAAACTTTGAAGACCTTTTATCACTGTATGTATTTTGTTC-3'
Protein context (NP_037386.1, residues 17-37): QGATANVFRG[Arg27Gly]HKKTGDLFAI

ClinVar aggregate classification (germline): Uncertain significance (1 of 4 stars; one submission).

Conditions:
Frontotemporal dementia and/or amyotrophic lateral sclerosis 4. Also called: FTDALS4. Identifiers: Orphanet 275872, MedGen C4225325, MONDO:0014641, OMIM 616439.

Submission:

Labcorp Genetics (formerly Invitae), Labcorp
Classification: Uncertain significance for Frontotemporal dementia and/or amyotrophic lateral sclerosis 4. Last evaluated: 2022-06-12. Review status: criteria provided, single submitter. Criteria: Invitae Variant Classification Sherloc (09022015). Collection method: clinical testing. Allele origin: germline.
Comment: In summary, the available evidence is currently insufficient to determine the role of this variant in disease. Therefore, it has been classified as a Variant of Uncertain Significance. Advanced modeling of protein sequence and biophysical properties (such as structural, functional, and spatial information, amino acid conservation, physicochemical variation, residue mobility, and thermodynamic stability) performed at Invitae indicates that this missense variant is not expected to disrupt TBK1 protein function. This variant has not been reported in the literature in individuals affected with TBK1-related conditions. This variant is not present in population databases (gnomAD no frequency). This sequence change replaces arginine, which is basic and polar, with glycine, which is neutral and non-polar, at codon 27 of the TBK1 protein (p.Arg27Gly).